The following is an entry in ClinVar:

ClinVar aggregate classification (germline): Pathogenic (1 of 4 stars; one submission).

Conditions:
Chédiak-Higashi syndrome (CHS). Also called: Chediak-Higashi Syndrome. Identifiers: Orphanet 167, MedGen C0007965, MONDO:0008963, OMIM 214500.

Submission:

Labcorp Genetics (formerly Invitae), Labcorp
Classification: Pathogenic for Chédiak-Higashi syndrome. Last evaluated: 2023-05-25. Review status: criteria provided, single submitter. Criteria: Invitae Variant Classification Sherloc (09022015). Collection method: clinical testing. Allele origin: germline.
Comment: For these reasons, this variant has been classified as Pathogenic. Retrotransposon insertions including LINE1 (L1), Alu, and SVA (SINE-VNTR-Alu) have been reported to be disease-causing through disruption of either a coding region or splice site (PMID: 19763152, 20307669, 22406018) and loss-of-function variants in LYST are known to be pathogenic (PMID: 9215679, 11857544). This variant has not been reported in the literature in individuals affected with LYST-related conditions. This variant is not present in population databases (gnomAD no frequency). This sequence change inserts a large fragment of DNA, likely a transposable element, in exon 5 of the LYST gene (c.713_714ins?), causing a frameshift at codon 238 (p.Leu238fs). The exact size and sequence of the insertion cannot be determined by the current assay. However, the insertion is expected to result in an absent or disrupted protein product.

Literature cited by the submitters: PubMed 19763152; PubMed 20307669; PubMed 22406018; PubMed 9215679; PubMed 11857544.

NM_000081.4(LYST):c.713_714insTTTTTTTTTTTTTTTTTTTTNNNNNNNNNNCGGGCGCGGACGGGGAGCCGGGCCCGGAGCCGCCGTCACGGCCGCGACCGCCCCGCGGGGCCGGCCTGGGCCGCGCTCAAACACTGACATTTT (p.Ile237_Leu238insPhePhePhePhePhePhePheXaaXaaXaaXaaGlyArgGlyArgGlyAlaGlyProGlyAlaAlaValThrAlaAlaThrAlaProArgGlyArgProGlyProArgSerAsnThrAspIle)

Gene: LYST (lysosomal trafficking regulator; minus strand). Cytogenetic location: 1q42.3.
Variant type: Microsatellite.
Coding change: c.713_714insTTTTTTTTTTTTTTTTTTTTNNNNNNNNNNCGGGCGCGGACGGGGAGCCGGGCCCGGAGCCGCCGTCACGGCCGCGACCGCCCCGCGGGGCCGGCCTGGGCCGCGCTCAAACACTGACATTTT on transcript NM_000081.4 (MANE Select); coding-DNA positions 713 to 714, TTTTTTTTTTTTTTTTTTTTNNNNNNNNNNCGGGCGCGGACGGGGAGCCGGGCCCGGAGCCGCCGTCACGGCCGCGACCGCCCCGCGGGGCCGGCCTGGGCCGCGCTCAAACACTGACATTTT inserted.
Protein change: p.Ile237_Leu238insPhePhePhePhePhePhePheXaaXaaXaaXaaGlyArgGlyArgGlyAlaGlyProGlyAlaAlaValThrAlaAlaThrAlaProArgGlyArgProGlyProArgSerAsnThrAspIle.
Molecular consequence: inframe insertion.
Genome position: GRCh38: chr1:235,810,105-235,810,121. GRCh37 (hg19), VCF-style position (the base before the change): chr1:235,973,404.
Other names: c.713_714insTTTTTTTTTTTTTTTTTTTTNNNNNNNNNNCGGGCGCGGACGGGGAGCCGGGCCCGGAGCCGCCGTCACGGCCGCGACCGCCCCGCGGGGCCGGCCTGGGCCGCGCTCAAACACTGACATTTT, p.Ile237_Leu238insPhePhePhePhePhePhePheXaaXaaXaaXaaGlyArgGlyArgGlyAlaGlyProGlyAlaAlaValThrAlaAlaThrAlaProArgGlyArgProGlyProArgSerAsnThrAspIle (NM_001301365.1).
Identifiers: ClinVar variation 2725274 (VCV002725274.3).